The following is an entry in ClinVar:

NM_006070.6(TFG):c.1054A>G (p.Ser352Gly)

Gene: TFG (trafficking from ER to golgi regulator; plus strand). Cytogenetic location: 3q12.2.
Variant type: single nucleotide variant.
Coding change: c.1054A>G on transcript NM_006070.6 (MANE Select); coding-DNA position 1054, A replaced by G.
Protein change: p.Ser352Gly; replaces serine 352 with glycine.
Molecular consequence: missense variant.
Genome position (GRCh38, 1-based): chr3:100,748,382, A>G. VCF-style: chr3-100748382-A-G. GRCh37 (hg19) VCF-style: chr3-100467226-A-G.
Other names: c.1054A>G, p.Ser352Gly (NM_001007565.2, NM_001195478.2); c.1042A>G, p.Ser348Gly (NM_001195479.2); short protein forms S348G, S352G.
Identifiers: ClinVar variation 2938007 (VCV002938007.3), dbSNP rs2472158761, ClinGen allele CA353854328.
Genomic context (GRCh38, chr3:100,748,382, plus strand): 5'-CAAACTTCTCAGCCTACTAATTATACTGTGGCTCCTGCCTCTCAACCTGGAATGGCTCCA[A>G]GCCAACCTGGGGCCTATCAACCAAGACCAGGTTTTACTTCACTTCCTGGAAGTACCATGA-3'
Protein context (NP_006061.2, residues 342-362): APASQPGMAP[Ser352Gly]QPGAYQPRPG

ClinVar aggregate classification (germline): Uncertain significance (1 of 4 stars; one submission).

Conditions:
Hereditary motor and sensory neuropathy, Okinawa type (HMSNO). Also called: HEREDITARY MOTOR AND SENSORY NEUROPATHY, PROXIMAL TYPE. Identifiers: Orphanet 90117, MedGen C1858338, MONDO:0011468, OMIM 604484.
Hereditary spastic paraplegia 57. Also called: Spastic paraplegia 57, autosomal recessive. Identifiers: Orphanet 431329, MedGen C3714897, MONDO:0014295, OMIM 615658.

Allele frequency attached by ClinVar (database versions not stated): gnomAD exomes below 0.00001.
gnomAD v4.1: 3 of 1,614,128 alleles (0.00019%); highest among the groups gnomAD compares: Non-Finnish European, 0.00025%; no homozygotes.

Submission:

Labcorp Genetics (formerly Invitae), Labcorp
Classification: Uncertain significance for Hereditary motor and sensory neuropathy, Okinawa type; Hereditary spastic paraplegia 57. Last evaluated: 2024-09-16. Review status: criteria provided, single submitter. Criteria: Invitae Variant Classification Sherloc (09022015). Collection method: clinical testing. Allele origin: germline.
Comment: This sequence change replaces serine, which is neutral and polar, with glycine, which is neutral and non-polar, at codon 352 of the TFG protein (p.Ser352Gly). This variant is not present in population databases (gnomAD no frequency). This variant has not been reported in the literature in individuals affected with TFG-related conditions. An algorithm developed to predict the effect of missense changes on protein structure and function (PolyPhen-2) suggests that this variant is likely to be tolerated. In summary, the available evidence is currently insufficient to determine the role of this variant in disease. Therefore, it has been classified as a Variant of Uncertain Significance.